The following is an entry in ClinVar:

NM_182746.3(MCM4):c.1282C>T (p.Arg428Cys)

Gene: MCM4 (minichromosome maintenance complex component 4; plus strand). Cytogenetic location: 8q11.21.
Variant type: single nucleotide variant.
Coding change: c.1282C>T on transcript NM_182746.3 (MANE Select); coding-DNA position 1282, C replaced by T.
Protein change: p.Arg428Cys; replaces arginine 428 with cysteine.
Molecular consequence: missense variant.
Genome position (GRCh38, 1-based): chr8:47,969,905, C>T. VCF-style: chr8-47969905-C-T. GRCh37 (hg19) VCF-style: chr8-48882465-C-T.
Other names: c.1282C>T, p.Arg428Cys (NM_005914.4); short protein forms R428C.
Identifiers: ClinVar variation 2988389 (VCV002988389.2), dbSNP rs373211350, ClinGen allele CA176158005.

ClinVar aggregate classification (germline): Uncertain significance (1 of 4 stars; one submission).

Allele frequency attached by ClinVar (database versions not stated): gnomAD exomes 0.00001; TOPMed 0.00006; ESP Exome Variant Server 0.00008; gnomAD 0.00008.
gnomAD v4.1: 22 of 1,614,098 alleles (0.0014%); highest among the groups gnomAD compares: African/African-American, 0.02%; no homozygotes.

Submission:

Labcorp Genetics (formerly Invitae), Labcorp
Classification: Uncertain significance. Last evaluated: 2023-12-15. Review status: criteria provided, single submitter. Criteria: Invitae Variant Classification Sherloc (09022015). Collection method: clinical testing. Allele origin: germline.
Comment: This sequence change replaces arginine, which is basic and polar, with cysteine, which is neutral and slightly polar, at codon 428 of the MCM4 protein (p.Arg428Cys). This variant is present in population databases (rs373211350, gnomAD 0.02%). This variant has not been reported in the literature in individuals affected with MCM4-related conditions. An algorithm developed to predict the effect of missense changes on protein structure and function (PolyPhen-2) suggests that this variant is likely to be disruptive. In summary, the available evidence is currently insufficient to determine the role of this variant in disease. Therefore, it has been classified as a Variant of Uncertain Significance.